The following is an entry in ClinVar:

ClinVar aggregate classification (germline): Uncertain significance. Review status: criteria provided, multiple submitters, no conflicts (2 of 4 stars). 3 submissions from 3 submitters: Uncertain significance (3). Last evaluated 2024-10-14.

Conditions:
Hereditary pancreatitis (PCTT). Also called: Hereditary chronic pancreatitis; PRSS1-Related Hereditary Pancreatitis. Identifiers: Orphanet 676, MedGen C0238339, MONDO:0008185, OMIM 167800.

gnomAD v4.1: 2 of 1,612,088 alleles (0.00012%); highest among the groups gnomAD compares: Admixed American, 0.0017%; no homozygotes.

Submissions (3):

Ambry Genetics
Classification: Uncertain significance for Hereditary pancreatitis. Last evaluated: 2024-10-14. Review status: criteria provided, single submitter. Criteria: Ambry Variant Classification Scheme 2023. Collection method: clinical testing. Allele origin: germline.
Comment: The c.56G>C variant (also known as p.G19A), located in coding exon 2 of the SPINK1 gene, results from a G to C substitution at nucleotide position 56. The glycine at codon 19 is replaced by alanine, an amino acid with similar properties. However, this change occurs in the first base pair of coding exon 2, which means it may have some effect on normal mRNA splicing. This nucleotide position is well conserved in available vertebrate species. In silico splice site analysis predicts that this alteration may weaken the native splice acceptor site. RNA studies have demonstrated that this alteration results in abnormal splicing (Wu H et al. Hum Genomics, 2024 Feb;18:21). Based on the available evidence, the clinical significance of this variant remains unclear.

ARUP Laboratories, Molecular Genetics and Genomics, ARUP Laboratories
Classification: Uncertain significance. Last evaluated: 2024-09-02. Review status: criteria provided, single submitter. Criteria: ARUP Molecular Germline Variant Investigation Process 2024. Collection method: clinical testing. Allele origin: germline.
Comment: The SPINK1 c.56G>C; p.Gly19Ala variant (rs1411503462), to our knowledge, is not reported in the medical literature but is reported in ClinVar (Variation ID: 1749160). This variant is absent from the Genome Aggregation Database (v2.1.1), indicating it is not a common polymorphism. This variant is located at the first nucleotide of exon 2 and computational analyses (Alamut Visual Plus v.1.5.1) predict that the p.Gly19Ala variant may impact splicing by weakening the nearby canonical acceptor splice site. Additionally, a cell culture based full-length gene-splicing assay found this variant yielded both aberrant and normal transcripts (Wu 2024). However, given the lack of clinical data and limited functional data, the significance of this variant is uncertain at this time. References: Wu H et al. Combining full-length gene assay and SpliceAI to interpret the splicing impact of all possible SPINK1 coding variants. Hum Genomics. 2024 Feb 27;18(1):21. PMID: 38414044.

Labcorp Genetics (formerly Invitae), Labcorp
Classification: Uncertain significance for Hereditary pancreatitis. Last evaluated: 2022-02-17. Review status: criteria provided, single submitter. Criteria: Invitae Variant Classification Sherloc (09022015). Collection method: clinical testing. Allele origin: germline.
Comment: This sequence change replaces glycine, which is neutral and non-polar, with alanine, which is neutral and non-polar, at codon 19 of the SPINK1 protein (p.Gly19Ala). This variant is not present in population databases (gnomAD no frequency). This variant has not been reported in the literature in individuals affected with SPINK1-related conditions. Algorithms developed to predict the effect of missense changes on protein structure and function are either unavailable or do not agree on the potential impact of this missense change (SIFT: "Tolerated"; PolyPhen-2: "Possibly Damaging"; Align-GVGD: "Class C0"). Algorithms developed to predict the effect of sequence changes on RNA splicing suggest that this variant may disrupt the consensus splice site. In summary, the available evidence is currently insufficient to determine the role of this variant in disease. Therefore, it has been classified as a Variant of Uncertain Significance.

Literature cited by the submitters: PubMed 38414044 (cited by Ambry Genetics).

NM_001379610.1(SPINK1):c.56G>C (p.Gly19Ala)

Gene: SPINK1 (serine peptidase inhibitor Kazal type 1; minus strand). Cytogenetic location: 5q32.
Variant type: single nucleotide variant.
Coding change: c.56G>C on transcript NM_001379610.1 (MANE Select); coding-DNA position 56, G replaced by C.
Protein change: p.Gly19Ala; replaces glycine 19 with alanine.
Molecular consequence: missense variant.
Genome position (GRCh38, 1-based): chr5:147,829,630, C>G on the plus strand (G>C on the coding strand, the complement: SPINK1 is on the minus strand). VCF-style: chr5-147829630-C-G. GRCh37 (hg19) VCF-style: chr5-147209193-C-G.
Other names: c.56G>C, p.Gly19Ala (NM_001354966.2, NM_003122.5); short protein forms G19A.
Identifiers: ClinVar variation 1749160 (VCV001749160.9), dbSNP rs1411503462, ClinGen allele CA361885468.